The following is an entry in ClinVar:

ClinVar aggregate classification (germline): Likely pathogenic (1 of 4 stars; one submission).

Conditions:
Autosomal recessive nonsyndromic hearing loss 23. Identifiers: Orphanet 90636, MedGen C1836027, MONDO:0012293, OMIM 609533.

Submission:

Institute of Rare Diseases, West China Hospital, Sichuan University
Classification: Likely pathogenic for Autosomal recessive nonsyndromic hearing loss 23. Last evaluated: 2025-01-09. Review status: criteria provided, single submitter. Criteria: ClinGen HL ACMG Specifications v1. Collection method: research. Allele origin: germline. Affected: yes.
Comment: PVS1;PM2_Supporting

NM_001384140.1(PCDH15):c.1166del (p.Asn389fs)

Gene: PCDH15 (protocadherin related 15; minus strand). Cytogenetic location: 10q21.1.
Variant type: Deletion.
Coding change: c.1166del on transcript NM_001384140.1 (MANE Select); coding-DNA position 1166, one base deleted (A; older notation c.1166delA).
Protein change: p.Asn389fs; shifts the reading frame from asparagine 389.
Molecular consequence: frameshift variant.
Genome position (GRCh38, 1-based): chr10:54,195,822, T deleted on the plus strand (A on the coding strand, the reverse complement: PCDH15 is on the minus strand); the first of 4 consecutive T bases (chr10:54,195,822-54,195,825); deleting any one gives the same sequence. VCF-style (leftmost placement, unchanged base first): chr10-54195821-GT-G. GRCh37 (hg19) VCF-style: chr10-55955581-GT-G.
Other names: c.1181del, p.Asn394fs (NM_001142763.2, NM_001142771.2); c.1166del, p.Asn389fs (NM_001142764.2, NM_001142765.2, NM_001142766.2 and 7 more transcripts); c.1055del, p.Asn352fs (NM_001142767.2); c.1100del, p.Asn367fs (NM_001142768.2, NM_001142773.2, NM_001354404.2); c.1178delA, p.Asn394Thrfs (NM_001142769.4); short protein forms N352fs, N367fs, N389fs, N394fs.
Identifiers: ClinVar variation 3601601 (VCV003601601.1).
Genomic context (GRCh38, chr10:54,195,821, plus strand): 5'-TGGGGCAGATTCCAGGATATAGCCTTGATAACTGGGCATTGTAAAATATGGACTTTGATT[GT>G]TTTCATCCAGTATTTCAATGTGTAGACCGGCAAAGGCAGGAAGAGGATGACCATTGTCTT-3'